The following is an entry in ClinVar:

ClinVar aggregate classification (germline): Uncertain significance (1 of 4 stars; one submission).

Conditions:
Catecholaminergic polymorphic ventricular tachycardia 1. Also called: RYR2-Related Catecholaminergic Polymorphic Ventricular Tachycardia; VENTRICULAR TACHYCARDIA, STRESS-INDUCED POLYMORPHIC 1; VENTRICULAR TACHYCARDIA, CATECHOLAMINERGIC POLYMORPHIC, 1, WITH OR WITHOUT ATRIAL DYSFUNCTION AND/OR DILATED CARDIOMYOPATHY. Identifiers: Orphanet 3286, MedGen C1631597, MONDO:0011484, OMIM 604772.

gnomAD v4.1: 1 of 1,613,618 alleles (0.000062%); highest among the groups gnomAD compares: Non-Finnish European, 0.000085%; no homozygotes.

Submission:

Labcorp Genetics (formerly Invitae), Labcorp
Classification: Uncertain significance for Catecholaminergic polymorphic ventricular tachycardia 1. Last evaluated: 2025-12-10. Review status: criteria provided, single submitter. Criteria: Invitae Variant Classification Sherloc (09022015). Collection method: clinical testing. Allele origin: germline.
Comment: This sequence change replaces histidine, which is basic and polar, with tyrosine, which is neutral and polar, at codon 3339 of the RYR2 protein (p.His3339Tyr). This variant is not present in population databases (gnomAD no frequency). This variant has not been reported in the literature in individuals affected with RYR2-related conditions. Invitae Evidence Modeling of protein sequence and biophysical properties (such as structural, functional, and spatial information, amino acid conservation, physicochemical variation, residue mobility, and thermodynamic stability) indicates that this missense variant is not expected to disrupt RYR2 protein function with a negative predictive value of 95%. In summary, the available evidence is currently insufficient to determine the role of this variant in disease. Therefore, it has been classified as a Variant of Uncertain Significance.

NM_001035.3(RYR2):c.10015C>T (p.His3339Tyr)

Gene: RYR2 (ryanodine receptor 2; plus strand). Cytogenetic location: 1q43.
Variant type: single nucleotide variant.
Coding change: c.10015C>T on transcript NM_001035.3 (MANE Select); coding-DNA position 10015, C replaced by T.
Protein change: p.His3339Tyr; replaces histidine 3339 with tyrosine.
Molecular consequence: missense variant.
Genome position (GRCh38, 1-based): chr1:237,708,971, C>T. VCF-style: chr1-237708971-C-T. GRCh37 (hg19) VCF-style: chr1-237872271-C-T.
Other names: short protein forms H3339Y.
Identifiers: ClinVar variation 4696541 (VCV004696541.1).